The following is an entry in ClinVar:

ClinVar aggregate classification (germline): Conflicting classifications of pathogenicity. Review status: criteria provided, conflicting classifications (1 of 4 stars). 6 submissions from 6 submitters: Uncertain significance (5); Likely benign (1). Last evaluated 2026-09-11.

Conditions:
JPH2-related disorder. Also called: JPH2-related condition.
Cardiovascular phenotype. Identifiers: MedGen CN230736.
Hypertrophic cardiomyopathy 17. Identifiers: MedGen C3151264, MONDO:0013474, OMIM 613873.
Hypertrophic cardiomyopathy. Also called: HYPERTROPHIC MYOCARDIOPATHY. Identifiers: Orphanet 217569, MedGen C0007194, MeSH D002312, MONDO:0005045, HP:0001639.

Allele frequency attached by ClinVar (database versions not stated): ExAC 0.00002; gnomAD exomes 0.00003 and 0.00005; gnomAD 0.00004 and 0.00005; TOPMed 0.00005; 1000 Genomes Project 30x 0.00031.
gnomAD v4.1: 84 of 1,580,854 alleles (0.0053%); highest among the groups gnomAD compares: Middle Eastern, 0.018%; no homozygotes.

Submissions (6):

PreventionGenetics, part of Exact Sciences
Classification: Uncertain significance for JPH2-related condition. Last evaluated: 2026-09-11. Review status: criteria provided, single submitter. Criteria: ACMG Guidelines, 2015. Collection method: clinical testing. Allele origin: germline.
Comment: The JPH2 c.1658C>T variant is predicted to result in the amino acid substitution p.Ala553Val. To our knowledge, this variant has not been reported in the literature. This variant is reported in 0.0040% of alleles in individuals of European (non-Finnish) descent in gnomAD. At this time, the clinical significance of this variant is uncertain due to the absence of conclusive functional and genetic evidence.

GeneDx
Classification: Uncertain significance. Last evaluated: 2025-10-15. Review status: criteria provided, single submitter. Criteria: GeneDx Variant Classification Process June 2021. Collection method: clinical testing. Allele origin: germline. Affected: yes.
Comment: Has not been previously published as pathogenic or benign to our knowledge; Not observed at significant frequency in large population cohorts (gnomAD); In silico analysis suggests that this missense variant does not alter protein structure/function

Labcorp Genetics (formerly Invitae), Labcorp
Classification: Uncertain significance for Hypertrophic cardiomyopathy. Last evaluated: 2025-07-13. Review status: criteria provided, single submitter. Criteria: Invitae Variant Classification Sherloc (09022015). Collection method: clinical testing. Allele origin: germline.
Comment: This sequence change replaces alanine, which is neutral and non-polar, with valine, which is neutral and non-polar, at codon 553 of the JPH2 protein (p.Ala553Val). The frequency data for this variant in the population databases is considered unreliable, as metrics indicate poor data quality at this position in the gnomAD database. This variant has not been reported in the literature in individuals affected with JPH2-related conditions. ClinVar contains an entry for this variant (Variation ID: 403849). An algorithm developed to predict the effect of missense changes on protein structure and function outputs the following: PolyPhen-2: "Benign". The valine amino acid residue is found in multiple mammalian species, which suggests that this missense change does not adversely affect protein function. In summary, the available evidence is currently insufficient to determine the role of this variant in disease. Therefore, it has been classified as a Variant of Uncertain Significance.

Molecular Diagnostic Laboratory for Inherited Cardiovascular Disease, Montreal Heart Institute
Classification: Uncertain significance for Cardiovascular phenotype. Last evaluated: 2025-04-09. Review status: criteria provided, single submitter. Criteria: ACMG Guidelines, 2015. Collection method: clinical testing. Allele origin: germline. Affected: yes.

Ambry Genetics
Classification: Likely benign for Cardiovascular phenotype. Last evaluated: 2024-05-15. Review status: criteria provided, single submitter. Criteria: Ambry Variant Classification Scheme 2023. Collection method: clinical testing. Allele origin: germline.

Victorian Clinical Genetics Services, Murdoch Childrens Research Institute
Classification: Uncertain significance for Hypertrophic cardiomyopathy 17. Last evaluated: 2023-07-16. Review status: criteria provided, single submitter. Criteria: ACMG Guidelines, 2015. Collection method: clinical testing. Allele origin: germline. Inheritance: Autosomal dominant inheritance. Affected: yes.
Comment: Based on the classification scheme VCGS_Germline_v1.3.4, this variant is classified as VUS-3C. Following criteria are met: 0102 - Loss of function is a known mechanism of disease in this gene and is associated with dilated cardiomyopathy 2E (MIM#619492) and hypertrophic cardiomyopathy 17 (MIM#613873). However, the gene-disease associations have not been established conclusively (PanelApp Australia) and were classified as moderate by ClinGen. (I) 0108 - This gene is associated with both recessive and dominant disease. Autosomal recessive and dominant inheritance has been reported for dilated cardiomyopathy 2E (MIM#619492), with biallelic nonsense variants reported in severe, paediatric-onset DCM (PMIDs: 27471098, 30384889, 31227780; OMIM). Hypertrophic cardiomyopathy 17 (MIM#613873) has been associated with autosomal dominant inheritance (OMIM). However, the gene-disease associations have not been established conclusively (PanelApp Australia) and were classified as moderate by ClinGen. (I) 0200 - Variant is predicted to result in a missense amino acid change from alanine to valine. (I) 0251 - This variant is heterozygous. (I) 0304 - Variant is present in gnomAD <0.01 (v2 & v3: 11 heterozygotes, 0 homozygotes). (SP) 0503 - Missense variant consistently predicted to be tolerated by multiple in silico tools or not conserved in placental mammals with a minor amino acid change. (SB) 0604 - Variant is not located in an established domain, motif, hotspot or informative constraint region. (I) 0705 - No comparable missense variants have previous evidence for pathogenicity. (I) 0809 - Previous evidence of pathogenicity for this variant is inconclusive. This variant has been reported as a VUS by two clinical testing laboratories (ClinVar). It has also been reported once as likely benign however no further information is available (LOVD). (I) 0905 - No published segregation evidence has been identified for this variant. (I) 1007 - No published functional evidence has been identified for this variant. (I) 1208 - Inheritance information for this variant is not currently available in this individual. (I) Legend: (SP) - Supporting pathogenic, (I) - Information, (SB) - Supporting benign

Literature cited by the submitters: PubMed 27471098 (cited by Victorian Clinical Genetics Services, Murdoch Childrens Research Institute); PubMed 30384889 (cited by Victorian Clinical Genetics Services, Murdoch Childrens Research Institute); PubMed 31227780 (cited by Victorian Clinical Genetics Services, Murdoch Childrens Research Institute).

NM_020433.5(JPH2):c.1658C>T (p.Ala553Val)

Gene: JPH2 (junctophilin 2; minus strand). Cytogenetic location: 20q13.12.
Variant type: single nucleotide variant.
Coding change: c.1658C>T on transcript NM_020433.5 (MANE Select); coding-DNA position 1658, C replaced by T.
Protein change: p.Ala553Val; replaces alanine 553 with valine.
Molecular consequence: missense variant.
Genome position (GRCh38, 1-based): chr20:44,116,017, G>A on the plus strand (C>T on the coding strand, the complement: JPH2 is on the minus strand). VCF-style: chr20-44116017-G-A. GRCh37 (hg19) VCF-style: chr20-42744657-G-A.
Other names: short protein forms A553V.
Identifiers: ClinVar variation 403849 (VCV000403849.19), dbSNP rs200422043, ClinGen allele CA9868646.